The following is an entry in ClinVar:

ClinVar aggregate classification (germline): Likely benign (1 of 4 stars; one submission).

gnomAD v4.1: 595 of 1,066,432 alleles (0.056%); highest among the groups gnomAD compares: African/African-American, 0.68%; 11 homozygotes.

Submission:

CeGaT Center for Human Genetics Tuebingen
Classification: Likely benign. Last evaluated: 2024-11-01. Review status: criteria provided, single submitter. Criteria: CeGaT Center For Human Genetics Tuebingen Variant Classification Criteria Version 2. Collection method: clinical testing. Allele origin: germline. Affected: yes. Observed: 1 variant allele.
Comment: AHNAK2: BP4, BS2

NM_138420.4(AHNAK2):c.6223G>C (p.Glu2075Gln)

Gene: AHNAK2 (AHNAK nucleoprotein 2; minus strand). Cytogenetic location: 14q32.33.
Variant type: single nucleotide variant.
Coding change: c.6223G>C on transcript NM_138420.4 (MANE Select); coding-DNA position 6223, G replaced by C.
Protein change: p.Glu2075Gln; replaces glutamic acid 2075 with glutamine.
Molecular consequence: missense variant.
Genome position (GRCh38, 1-based): chr14:104,949,228, C>G on the plus strand (G>C on the coding strand, the complement: AHNAK2 is on the minus strand). VCF-style: chr14-104949228-C-G. GRCh37 (hg19) VCF-style: chr14-105415565-C-G.
Other names: c.5923G>C, p.Glu1975Gln (NM_001350929.2); short protein forms E1975Q, E2075Q.
Identifiers: ClinVar variation 3388559 (VCV003388559.14).
Genomic context (GRCh38, chr14:104,949,228, plus strand): 5'-CCTTGATGTCCACCTGGGGGCCCTTGAGGTCCACTTTGGGCATCTTCAAACTGGGCATCT[C>G]CACCTTGGGCAGGTGCCCTTTGAGGCCAGCTCCCTCGGGCACGTGGCCCTCCGGGAGCTT-3'
Protein context (NP_612429.2, residues 2065-2085): AGLKGHLPKV[Glu2075Gln]MPSLKMPKVD